The following is an entry in ClinVar:

ClinVar aggregate classification (germline): Likely benign. Review status: criteria provided, single submitter (1 of 4 stars). 2 submissions from 2 submitters: Likely benign (1). 1 of the submissions does not count toward it. Last evaluated 2022-06-01.

Conditions:
TSPEAR-related disorder. Also called: TSPEAR-related condition.

Allele frequency attached by ClinVar (database versions not stated): TOPMed 0.00014; ExAC 0.00017.
gnomAD v4.1: 414 of 1,614,020 alleles (0.026%); highest among the groups gnomAD compares: Non-Finnish European, 0.032%; 1 homozygote.

Submissions (2):

CeGaT Center for Human Genetics Tuebingen
Classification: Likely benign. Last evaluated: 2022-06-01. Review status: criteria provided, single submitter. Criteria: CeGaT Center For Human Genetics Tuebingen Variant Classification Criteria Version 2. Collection method: clinical testing. Allele origin: germline. Affected: yes. Observed: 1 variant allele.
Comment: TSPEAR: BP4

PreventionGenetics, part of Exact Sciences
Classification: Likely benign for TSPEAR-related condition. Last evaluated: 2021-02-03. Review status: no assertion criteria provided. Collection method: clinical testing. Allele origin: germline. Not counted in ClinVar's aggregate classification.
Comment: This variant is classified as likely benign based on ACMG/AMP sequence variant interpretation guidelines (Richards et al. 2015 PMID: 25741868, with internal and published modifications).

NM_144991.3(TSPEAR):c.1494C>G (p.Gly498=)

Gene: TSPEAR (thrombospondin type laminin G domain and EAR repeats; minus strand). Cytogenetic location: 21q22.3.
Variant type: single nucleotide variant.
Coding change: c.1494C>G on transcript NM_144991.3 (MANE Select); coding-DNA position 1494, C replaced by G.
Protein change: p.Gly498=; no amino-acid change (glycine 498 retained).
Molecular consequence: synonymous variant.
Genome position (GRCh38, 1-based): chr21:44,521,955, G>C on the plus strand (C>G on the coding strand, the complement: TSPEAR is on the minus strand). VCF-style: chr21-44521955-G-C. GRCh37 (hg19) VCF-style: chr21-45941838-G-C.
Other names: c.1494C>G (NM_144991.2); c.1290C>G, p.Gly430= (NM_001272037.2).
Identifiers: ClinVar variation 2652758 (VCV002652758.25), dbSNP rs782797353, ClinGen allele CA10056557.
Genomic context (GRCh38, chr21:44,521,955, plus strand): 5'-GAAGAGCTGGAAGGAGCCCAGGAGTCGGATGTAGAGGTGCGAGTGCACCTTGGTGGAGGT[G>C]CCGTTGAAGGTGTTGGCCACCACCAGGAACGAGTAGGGCCCCACACTGAAGAACTCCCAG-3'
Protein context (NP_659428.2, residues 488-508): SFLVVANTFN[Gly498=]TSTKVHSHLY